The following is an entry in ClinVar:

NM_002519.3(NPAT):c.427C>G (p.Leu143Val)

Gene: NPAT (nuclear protein, coactivator of histone transcription; minus strand). Cytogenetic location: 11q22.3.
Variant type: single nucleotide variant.
Coding change: c.427C>G on transcript NM_002519.3 (MANE Select); coding-DNA position 427, C replaced by G.
Protein change: p.Leu143Val; replaces leucine 143 with valine.
Molecular consequence: missense variant.
Genome position (GRCh38, 1-based): chr11:108,189,235, G>C on the plus strand (C>G on the coding strand, the complement: NPAT is on the minus strand). VCF-style: chr11-108189235-G-C. GRCh37 (hg19) VCF-style: chr11-108059962-G-C.
Other names: c.427C>G, p.Leu143Val (NM_001321307.1); short protein forms L143V.
Identifiers: ClinVar variation 1739325 (VCV001739325.2), dbSNP rs2078139517, ClinGen allele CA382524866.

ClinVar aggregate classification (germline): Uncertain significance (1 of 4 stars; one submission).

Submission:

Ambry Genetics
Classification: Uncertain significance. Last evaluated: 2022-06-06. Review status: criteria provided, single submitter. Criteria: Ambry Variant Classification Scheme 2023. Collection method: clinical testing. Allele origin: germline.
Comment: The p.L143V variant (also known as c.427C>G), located in coding exon 6 of the NPAT gene, results from a C to G substitution at nucleotide position 427. The leucine at codon 143 is replaced by valine, an amino acid with highly similar properties. This amino acid position is conserved. In addition, this alteration is predicted to be tolerated by in silico analysis. Since supporting evidence is limited at this time, the clinical significance of this alteration remains unclear.